The following is an entry in ClinVar:

ClinVar aggregate classification (germline): Uncertain significance (1 of 4 stars; one submission).

Submission:

Labcorp Genetics (formerly Invitae), Labcorp
Classification: Uncertain significance. Last evaluated: 2022-07-14. Review status: criteria provided, single submitter. Criteria: Invitae Variant Classification Sherloc (09022015). Collection method: clinical testing. Allele origin: germline.
Comment: This sequence change falls in intron 25 of the ABCC6 gene. It does not directly change the encoded amino acid sequence of the ABCC6 protein. It affects a nucleotide within the consensus splice site. This variant is not present in population databases (gnomAD no frequency). This variant has not been reported in the literature in individuals affected with ABCC6-related conditions. Variants that disrupt the consensus splice site are a relatively common cause of aberrant splicing (PMID: 17576681, 9536098). Algorithms developed to predict the effect of sequence changes on RNA splicing suggest that this variant is not likely to affect RNA splicing. In summary, the available evidence is currently insufficient to determine the role of this variant in disease. Therefore, it has been classified as a Variant of Uncertain Significance.

Literature cited by the submitters: PubMed 17576681; PubMed 9536098.

NM_001171.6(ABCC6):c.3633+5T>C

Gene: ABCC6 (ATP binding cassette subfamily C member 6; minus strand). Cytogenetic location: 16p13.11.
Variant type: single nucleotide variant.
Coding change: c.3633+5T>C on transcript NM_001171.6 (MANE Select); 5 bases into the intron after coding-DNA position 3633, T replaced by C.
Molecular consequence: intron variant.
Genome position (GRCh38, 1-based): chr16:16,161,433, A>G on the plus strand (T>C on the coding strand, the complement: ABCC6 is on the minus strand). VCF-style: chr16-16161433-A-G. GRCh37 (hg19) VCF-style: chr16-16255290-A-G.
Other names: c.3291+5T>C (NM_001351800.1).
Identifiers: ClinVar variation 2071340 (VCV002071340.1), dbSNP rs2510960507, ClinGen allele CA2580090811.